The following is an entry in ClinVar:

ClinVar aggregate classification (germline): Uncertain significance (1 of 4 stars; one submission).

Submission:

Labcorp Genetics (formerly Invitae), Labcorp
Classification: Uncertain significance. Last evaluated: 2023-07-30. Review status: criteria provided, single submitter. Criteria: Invitae Variant Classification Sherloc (09022015). Collection method: clinical testing. Allele origin: germline.
Comment: In summary, the available evidence is currently insufficient to determine the role of this variant in disease. Therefore, it has been classified as a Variant of Uncertain Significance. Advanced modeling of protein sequence and biophysical properties (such as structural, functional, and spatial information, amino acid conservation, physicochemical variation, residue mobility, and thermodynamic stability) performed at Invitae indicates that this missense variant is not expected to disrupt KAT6A protein function. This variant has not been reported in the literature in individuals affected with KAT6A-related conditions. This variant is not present in population databases (gnomAD no frequency). This sequence change replaces leucine, which is neutral and non-polar, with isoleucine, which is neutral and non-polar, at codon 1406 of the KAT6A protein (p.Leu1406Ile).

NM_006766.5(KAT6A):c.4216T>A (p.Leu1406Ile)

Gene: KAT6A (lysine acetyltransferase 6A; minus strand). Cytogenetic location: 8p11.21.
Variant type: single nucleotide variant.
Coding change: c.4216T>A on transcript NM_006766.5 (MANE Select); coding-DNA position 4216, T replaced by A.
Protein change: p.Leu1406Ile; replaces leucine 1406 with isoleucine.
Molecular consequence: missense variant.
Genome position (GRCh38, 1-based): chr8:41,934,004, A>T on the plus strand (T>A on the coding strand, the complement: KAT6A is on the minus strand). VCF-style: chr8-41934004-A-T. GRCh37 (hg19) VCF-style: chr8-41791522-A-T.
Other names: short protein forms L1406I.
Identifiers: ClinVar variation 2748516 (VCV002748516.3), dbSNP rs2486755657, ClinGen allele CA371066573.